The following is an entry in ClinVar:

NM_139315.3(TAF6):c.1338C>T (p.Asp446=)

Genes: AP4M1 (adaptor related protein complex 4 subunit mu 1; plus strand), TAF6 (TATA-box binding protein associated factor 6; minus strand). Cytogenetic location: 7q22.1.
Variant type: single nucleotide variant.
Coding change: c.1338C>T on transcript NM_139315.3 (MANE Select); coding-DNA position 1338, C replaced by T.
Protein change: p.Asp446=; no amino-acid change (aspartic acid 446 retained).
Molecular consequence: synonymous variant. On other transcripts: non-coding transcript variant (1), 3 prime UTR variant (2).
Genome position (GRCh38, 1-based): chr7:100,108,487, G>A on the plus strand (C>T on the coding strand, the complement: TAF6 is on the minus strand). VCF-style: chr7-100108487-G-A. GRCh37 (hg19) VCF-style: chr7-99706110-G-A.
Other names: c.1449C>T, p.Asp483= (NM_001190415.2); c.1338C>T, p.Asp446= (NM_001364998.1, NM_001364999.1, NM_005641.4); c.1308C>T, p.Asp436= (NM_001365000.1, NM_001365001.1, NM_001365002.1 and 1 more transcripts); c.1476C>T, p.Asp492= (NM_001365004.1); c.*1605G>A (NM_001363671.2, NM_004722.4).
Identifiers: ClinVar variation 2712687 (VCV002712687.5), dbSNP rs200398416, ClinGen allele CA4375322.

ClinVar aggregate classification (germline): Likely benign. Review status: criteria provided, multiple submitters, no conflicts (2 of 4 stars). 2 submissions from 2 submitters: Likely benign (2). Last evaluated 2026-04-01.

Allele frequency attached by ClinVar (database versions not stated): TOPMed 0.00006; ExAC 0.00007; ESP Exome Variant Server 0.00008; gnomAD exomes 0.00008; gnomAD 0.00009; 1000 Genomes Project 30x 0.00016; 1000 Genomes Project 0.00020.
gnomAD v4.1: 126 of 1,613,792 alleles (0.0078%); highest among the groups gnomAD compares: Middle Eastern, 0.017%; no homozygotes.

Submissions (2):

CeGaT Center for Human Genetics Tuebingen
Classification: Likely benign. Last evaluated: 2026-04-01. Review status: criteria provided, single submitter. Criteria: CeGaT Center For Human Genetics Tuebingen Variant Classification Criteria Version 2. Collection method: clinical testing. Allele origin: germline. Affected: yes. Observed: 2 variant alleles.
Comment: TAF6: BP4, BP7

Labcorp Genetics (formerly Invitae), Labcorp
Classification: Likely benign. Last evaluated: 2025-09-02. Review status: criteria provided, single submitter. Criteria: Invitae Variant Classification Sherloc (09022015). Collection method: clinical testing. Allele origin: germline.